The following is an entry in ClinVar:

ClinVar aggregate classification (germline): Uncertain significance (1 of 4 stars; one submission).

Allele frequency attached by ClinVar (database versions not stated): TOPMed below 0.00001; gnomAD 0.00001; gnomAD exomes 0.00001.
gnomAD v4.1: 14 of 1,614,038 alleles (0.00087%); highest among the groups gnomAD compares: Non-Finnish European, 0.0011%; no homozygotes.

Submission:

GeneDx
Classification: Uncertain significance. Last evaluated: 2022-04-15. Review status: criteria provided, single submitter. Criteria: GeneDx Variant Classification Process June 2021. Collection method: clinical testing. Allele origin: germline. Affected: yes.
Comment: Not observed at significant frequency in large population cohorts (gnomAD); In silico analysis supports that this missense variant has a deleterious effect on protein structure/function; Has not been previously published as pathogenic or benign to our knowledge

NM_005548.3(KARS1):c.1225C>G (p.Pro409Ala)

Gene: KARS1 (lysyl-tRNA synthetase 1; minus strand). Cytogenetic location: 16q23.1.
Variant type: single nucleotide variant.
Coding change: c.1225C>G on transcript NM_005548.3 (MANE Select); coding-DNA position 1225, C replaced by G.
Protein change: p.Pro409Ala; replaces proline 409 with alanine.
Molecular consequence: missense variant.
Genome position (GRCh38, 1-based): chr16:75,631,443, G>C on the plus strand (C>G on the coding strand, the complement: KARS1 is on the minus strand). VCF-style: chr16-75631443-G-C. GRCh37 (hg19) VCF-style: chr16-75665341-G-C.
Other names: c.1309C>G, p.Pro437Ala (NM_001130089.2); c.757C>G, p.Pro253Ala (NM_001378148.1); short protein forms P253A, P409A, P437A.
Identifiers: ClinVar variation 1710877 (VCV001710877.2), dbSNP rs1168931391, ClinGen allele CA396811632.